The following is an entry in ClinVar:

ClinVar aggregate classification (germline): Uncertain significance (1 of 4 stars; one submission).

Conditions:
Hereditary spastic paraplegia 57. Also called: Spastic paraplegia 57, autosomal recessive. Identifiers: Orphanet 431329, MedGen C3714897, MONDO:0014295, OMIM 615658.
Hereditary motor and sensory neuropathy, Okinawa type (HMSNO). Also called: HEREDITARY MOTOR AND SENSORY NEUROPATHY, PROXIMAL TYPE. Identifiers: Orphanet 90117, MedGen C1858338, MONDO:0011468, OMIM 604484.

Submission:

Labcorp Genetics (formerly Invitae), Labcorp
Classification: Uncertain significance for Hereditary motor and sensory neuropathy, Okinawa type; Hereditary spastic paraplegia 57. Last evaluated: 2023-05-25. Review status: criteria provided, single submitter. Criteria: Invitae Variant Classification Sherloc (09022015). Collection method: clinical testing. Allele origin: germline.
Comment: This sequence change creates a premature translational stop signal (p.Tyr329*) in the TFG gene. While this is not anticipated to result in nonsense mediated decay, it is expected to disrupt the last 72 amino acid(s) of the TFG protein. This variant is not present in population databases (gnomAD no frequency). This variant has not been reported in the literature in individuals affected with TFG-related conditions. ClinVar contains an entry for this variant (Variation ID: 1019608). Experimental studies and prediction algorithms are not available or were not evaluated, and the functional significance of this variant is currently unknown. In summary, the available evidence is currently insufficient to determine the role of this variant in disease. Therefore, it has been classified as a Variant of Uncertain Significance.

NM_006070.6(TFG):c.986dup (p.Tyr329Ter)

Gene: TFG (trafficking from ER to golgi regulator; plus strand). Cytogenetic location: 3q12.2.
Variant type: Duplication.
Coding change: c.986dup on transcript NM_006070.6 (MANE Select); coding-DNA position 986, one base duplicated (A; older notation c.986dupA).
Protein change: p.Tyr329Ter; replaces tyrosine 329 with a stop codon.
Molecular consequence: nonsense.
Genome position (GRCh38, 1-based): chr3:100,748,314, A duplicated. VCF-style (leftmost placement, unchanged base first): chr3-100748313-T-TA. GRCh37 (hg19) VCF-style: chr3-100467157-T-TA.
Other names: c.986dup, p.Tyr329Ter (NM_001007565.2, NM_001195478.2); c.974dup, p.Tyr325Ter (NM_001195479.2); short protein forms Y325*, Y329*.
Identifiers: ClinVar variation 1019608 (VCV001019608.6), dbSNP rs2095154725, ClinGen allele CA1388377663.
Genomic context (GRCh38, chr3:100,748,313, plus strand): 5'-CAACAACTGCCTGCTCAGCCGCCACAGCAGTACCAGGCGAGCAATTATCCTGCACAAACT[T>TA]ACACTGCCCAAACTTCTCAGCCTACTAATTATACTGTGGCTCCTGCCTCTCAACCTGGAA-3'